The following is an entry in ClinVar:

NM_001370259.2(MEN1):c.913-11C>T

Gene: MEN1 (menin 1; minus strand). Cytogenetic location: 11q13.1.
Variant type: single nucleotide variant.
Coding change: c.913-11C>T on transcript NM_001370259.2 (MANE Select); 11 bases into the intron before coding-DNA position 913, C replaced by T.
Molecular consequence: intron variant.
Genome position (GRCh38, 1-based): chr11:64,806,379, G>A on the plus strand (C>T on the coding strand, the complement: MEN1 is on the minus strand). VCF-style: chr11-64806379-G-A. GRCh37 (hg19) VCF-style: chr11-64573851-G-A.
Other names: c.913-11C>T (NM_001370261.2, NM_130799.3, NM_001370260.2 and 1 more transcripts); c.928-11C>T (NM_130802.3, NM_130804.3, NM_130803.3 and 3 more transcripts); c.808-11C>T (NM_001370263.2, NM_001370262.2).
Identifiers: ClinVar variation 1609433 (VCV001609433.9), dbSNP rs2136122142, ClinGen allele CA2573147456.
Genomic context (GRCh38, chr11:64,806,379, plus strand): 5'-TAGGGGTAGATGTGTTCATCCCGATAGTAGGTCTTGGCTGAGGCAATGCCCTGGATGGAG[G>A]TGAGGCAGAGGATCCTCAGGGAGGCAGCCCCAGCTGCCCTGCTGGCACAAATGCCCCACC-3'

ClinVar aggregate classification (germline): Likely benign. Review status: criteria provided, multiple submitters, no conflicts (2 of 4 stars). 2 submissions from 2 submitters: Likely benign (2). Last evaluated 2024-08-29.

Conditions:
Multiple endocrine neoplasia, type 1 (MEN1). Also called: MEN I; WERMER SYNDROME; Endocrine adenomatosis multiple; MEN 1; MEA I. Identifiers: Orphanet 652, MedGen C0025267, MeSH D018761, MONDO:0007540, OMIM 131100.

Submissions (2):

Labcorp Genetics (formerly Invitae), Labcorp
Classification: Likely benign for Multiple endocrine neoplasia, type 1. Last evaluated: 2024-08-29. Review status: criteria provided, single submitter. Criteria: Invitae Variant Classification Sherloc (09022015). Collection method: clinical testing. Allele origin: germline.

All of Us Research Program, National Institutes of Health
Classification: Likely benign for Multiple endocrine neoplasia, type 1. Last evaluated: 2023-06-08. Review status: criteria provided, single submitter. Criteria: ACMG Guidelines, 2015. Collection method: clinical testing. Allele origin: germline. Inheritance: Autosomal dominant inheritance. Observed: 1 variant allele, 1 heterozygote.
Comment: This study involves interpretation of variants in research participants for the purpose of population health screening. Participant phenotype was not available at the time of variant classification. Additional details can be found in publication PMID: 35346344, PMCID: PMC8962531